The following is an entry in ClinVar:

ClinVar aggregate classification (germline): Uncertain significance. Review status: criteria provided, multiple submitters, no conflicts (2 of 4 stars). 3 submissions from 3 submitters: Uncertain significance (2). 1 of the submissions does not count toward it. Last evaluated 2024-05-29.

Conditions:
Usher syndrome type 1 (USH1). Also called: RETINITIS PIGMENTOSA AND CONGENITAL DEAFNESS. Identifiers: Orphanet 231169, Orphanet 886, MedGen C1568247, MONDO:0010168, OMIM 276900.

Allele frequency attached by ClinVar (database versions not stated): gnomAD exomes 0.00001 and 0.00003; TOPMed 0.00001; ExAC 0.00003.
gnomAD v4.1: 7 of 1,613,978 alleles (0.00043%); highest among the groups gnomAD compares: Admixed American, 0.012%; no homozygotes.

Submissions (3):

Labcorp Genetics (formerly Invitae), Labcorp
Classification: Uncertain significance. Last evaluated: 2024-05-29. Review status: criteria provided, single submitter. Criteria: Invitae Variant Classification Sherloc (09022015). Collection method: clinical testing. Allele origin: germline.
Comment: This sequence change replaces alanine, which is neutral and non-polar, with threonine, which is neutral and polar, at codon 2187 of the CDH23 protein (p.Ala2187Thr). This variant is present in population databases (rs727504841, gnomAD 0.02%). This variant has not been reported in the literature in individuals affected with CDH23-related conditions. ClinVar contains an entry for this variant (Variation ID: 179395). Advanced modeling of protein sequence and biophysical properties (such as structural, functional, and spatial information, amino acid conservation, physicochemical variation, residue mobility, and thermodynamic stability) performed at Invitae indicates that this missense variant is not expected to disrupt CDH23 protein function with a negative predictive value of 95%. In summary, the available evidence is currently insufficient to determine the role of this variant in disease. Therefore, it has been classified as a Variant of Uncertain Significance.

Laboratory for Molecular Medicine, Mass General Brigham Personalized Medicine
Classification: Uncertain significance. Last evaluated: 2015-01-29. Review status: criteria provided, single submitter. Criteria: LMM Criteria. Collection method: clinical testing. Allele origin: germline. Observed: 2 variant alleles.
Comment: Variant classified as Uncertain Significance - Favor Benign. It has been also identified in 0.03% (4/11602) of Latino chromo somes by the Exome Aggregation Consortium (ExAC) . Although the variant has been identified in the general population, its freque ncy is not high enough to rule out pathogenicity. The Alanine (Ala) residue at p osition 2187 is not conserved across species, with rat and many fish species hav ing a threonine (Thr) at this position. Additional computational prediction tool s suggest that the p.Ala2187Thr variant may not impact the protein, though this information is not predictive enough to rule out pathogenicity. In summary, the clinical significance of this variant cannot be determined with certainty; howev er based upon the conservation and computational data, we would lean towards a m ore likely benign role.

Natera, Inc.
Classification: Uncertain significance for Usher syndrome type 1. Last evaluated: 2019-10-28. Review status: no assertion criteria provided. Collection method: clinical testing. Allele origin: germline. Not counted in ClinVar's aggregate classification.

NM_022124.6(CDH23):c.6559G>A (p.Ala2187Thr)

Gene: CDH23 (cadherin related 23; plus strand). Cytogenetic location: 10q22.1.
Variant type: single nucleotide variant.
Coding change: c.6559G>A on transcript NM_022124.6 (MANE Select); coding-DNA position 6559, G replaced by A.
Protein change: p.Ala2187Thr; replaces alanine 2187 with threonine.
Molecular consequence: missense variant.
Genome position (GRCh38, 1-based): chr10:71,793,487, G>A. VCF-style: chr10-71793487-G-A. GRCh37 (hg19) VCF-style: chr10-73553244-G-A.
Other names: short protein forms A2187T.
Identifiers: ClinVar variation 179395 (VCV000179395.9), dbSNP rs727504841, ClinGen allele CA184340.